The following is an entry in ClinVar:

ClinVar aggregate classification (germline): Uncertain significance (1 of 4 stars; one submission).

Conditions:
Primary ciliary dyskinesia 32. Also called: CILIARY DYSKINESIA, PRIMARY, 32, WITHOUT SITUS INVERSUS. Identifiers: Orphanet 244, MedGen C4225311, MONDO:0014657, OMIM 616481.

gnomAD v4.1: 4 of 1,610,854 alleles (0.00025%); highest among the groups gnomAD compares: Admixed American, 0.0067%; no homozygotes.

Submission:

Labcorp Genetics (formerly Invitae), Labcorp
Classification: Uncertain significance for Primary ciliary dyskinesia 32. Last evaluated: 2022-06-13. Review status: criteria provided, single submitter. Criteria: Invitae Variant Classification Sherloc (09022015). Collection method: clinical testing. Allele origin: germline.
Comment: This variant is present in population databases (rs753412130, gnomAD 0.01%). This sequence change replaces alanine, which is neutral and non-polar, with threonine, which is neutral and polar, at codon 70 of the RSPH3 protein (p.Ala70Thr). This variant has not been reported in the literature in individuals affected with RSPH3-related conditions. In summary, the available evidence is currently insufficient to determine the role of this variant in disease. Therefore, it has been classified as a Variant of Uncertain Significance. Algorithms developed to predict the effect of missense changes on protein structure and function output the following: SIFT: "Tolerated"; PolyPhen-2: "Benign"; Align-GVGD: "Class C0". The threonine amino acid residue is found in multiple mammalian species, which suggests that this missense change does not adversely affect protein function. ClinVar contains an entry for this variant (Variation ID: 839991).

NM_031924.8(RSPH3):c.-219G>A

Gene: RSPH3 (radial spoke head 3; minus strand). Cytogenetic location: 6q25.3.
Variant type: single nucleotide variant.
Coding change: c.-219G>A on transcript NM_031924.8 (MANE Select); 219 bases upstream of the start codon, G replaced by A.
Molecular consequence: 5 prime UTR variant. On other transcripts: missense variant (1), non-coding transcript variant (1).
Genome position (GRCh38, 1-based): chr6:158,999,769, C>T on the plus strand (G>A on the coding strand, the complement: RSPH3 is on the minus strand). VCF-style: chr6-158999769-C-T. GRCh37 (hg19) VCF-style: chr6-159420801-C-T.
Other names: c.208G>A, p.Ala70Thr (NM_001346418.1); short protein forms A70T.
Identifiers: ClinVar variation 839991 (VCV000839991.9), dbSNP rs753412130, ClinGen allele CA4076077.
Genomic context (GRCh38, chr6:158,999,769, plus strand): 5'-TACCAGCGCAGGAGGTGGGAGCTATACTGGGCTCGCTCCCAGCACCACAGAGACCAGCTG[C>T]GGGGGCCGCATCGGTTGCCCAGCAACCCAGGGTTCTGTCTGGGGGCGGGAACTCCGGGCA-3'